The following is an entry in ClinVar:

ClinVar aggregate classification (germline): Pathogenic. Review status: criteria provided, multiple submitters, no conflicts (2 of 4 stars). 5 submissions from 5 submitters: Pathogenic (4). 1 of the submissions does not count toward it. Last evaluated 2025-01-30.

Conditions:
Cowden syndrome 3 (CWS3). Identifiers: Orphanet 201, MedGen CN166604, MONDO:0014045.
Pheochromocytoma. Also called: MAX-Related Hereditary Paraganglioma-Pheochromocytoma Syndrome. Identifiers: Orphanet 29072, MedGen C0031511, MONDO:0008233, OMIM 171300, HP:0002666.
Carney-Stratakis syndrome. Also called: PARAGANGLIOMA AND GASTROINTESTINAL STROMAL TUMOR. Identifiers: Orphanet 97286, MedGen C1847319, MONDO:0011740, OMIM 606864.
Paragangliomas with sensorineural hearing loss. Identifiers: MedGen C1868633.
Hereditary pheochromocytoma and paraganglioma. Also called: Hereditary Paraganglioma-Pheochromocytoma Syndromes; Hereditary paragangliomas and pheochromocytomas; Hereditary pheochromocytoma-paraganglioma. Identifiers: Orphanet 29072, MedGen C4274332, MONDO:0017366.
Hereditary cancer-predisposing syndrome. Also called: Hereditary neoplastic syndrome; Neoplastic Syndromes, Hereditary; Tumor predisposition; Hereditary Cancer Syndrome. Identifiers: Orphanet 140162, MedGen C0027672, MeSH D009386, MONDO:0015356.

Submissions (5):

Labcorp Genetics (formerly Invitae), Labcorp
Classification: Pathogenic for Carney-Stratakis syndrome; Paragangliomas with sensorineural hearing loss; Pheochromocytoma; Cowden syndrome 3. Last evaluated: 2025-01-30. Review status: criteria provided, single submitter. Criteria: Invitae Variant Classification Sherloc (09022015). Collection method: clinical testing. Allele origin: germline.
Comment: This sequence change creates a premature translational stop signal (p.Leu19Serfs*50) in the SDHD gene. It is expected to result in an absent or disrupted protein product. Loss-of-function variants in SDHD are known to be pathogenic (PMID: 19454582, 19802898). This variant is not present in population databases (gnomAD no frequency). This premature translational stop signal has been observed in individuals with head and neck paraganglioma or paraganglioma-pheochromocytoma (PMID: 25720320, 29386252, 30050099). This variant is also known as c.53insC (p.19fs*68). ClinVar contains an entry for this variant (Variation ID: 279889). Algorithms developed to predict the effect of sequence changes on RNA splicing suggest that this variant may disrupt the consensus splice site. For these reasons, this variant has been classified as Pathogenic.

Department of Pediatrics, Memorial Sloan Kettering Cancer Center
Classification: Pathogenic for Pheochromocytoma. Last evaluated: 2020-12-15. Review status: criteria provided, single submitter. Criteria: ACMG Guidelines, 2015. Collection method: research. Allele origin: germline. Affected: yes.

Ambry Genetics
Classification: Pathogenic for Hereditary cancer-predisposing syndrome. Last evaluated: 2018-09-05. Review status: criteria provided, single submitter. Criteria: Ambry Variant Classification Scheme 2023. Collection method: clinical testing. Allele origin: germline.
Comment: The c.53dupC pathogenic mutation, located in coding exon 2 of the SDHD gene, results from a duplication of C at nucleotide position 53, causing a translational frameshift with a predicted alternate stop codon (p.L19Sfs*50). In addition to the clinical data presented in the literature, this alteration is expected to result in loss of function by premature protein truncation or nonsense-mediated mRNA decay. As such, this alteration is interpreted as a disease-causing mutation.

GeneDx
Classification: Pathogenic. Last evaluated: 2017-02-22. Review status: criteria provided, single submitter. Criteria: GeneDx Variant Classification (06012015). Collection method: clinical testing. Allele origin: germline. Affected: yes.
Comment: This duplication of one nucleotide in SDHD is denoted c.53dupC at the cDNA level and p.Leu19SerfsX50 (L19SfsX50) at the protein level. The normal sequence, with the base that is duplicated in brackets, is TCAG[dupC]TCTG. The duplication causes a frameshift which changes a Leucine to a Serine at codon 19, and creates a premature stop codon at position 50 of the new reading frame. This variant is predicted to cause loss of normal protein function through either protein truncation or nonsense-mediated mRNA decay. SDHD c.53dupC has been reported in the literature in an individual with a carotid body tumor (Papathomas 2015). We consider this variant to be pathogenic.

Section on Medical Neuroendocrinolgy, National Institutes of Health
Classification: Likely pathogenic for Hereditary pheochromocytoma and paraganglioma. Review status: no assertion criteria provided. Collection method: research. Allele origin: germline. Affected: yes. Not counted in ClinVar's aggregate classification.

Literature cited by the submitters: PubMed 19454582 (cited by Labcorp Genetics (formerly Invitae), Labcorp); PubMed 19802898 (cited by Labcorp Genetics (formerly Invitae), Labcorp); PubMed 25720320 (cited by Labcorp Genetics (formerly Invitae), Labcorp and Ambry Genetics); PubMed 29386252 (cited by Labcorp Genetics (formerly Invitae), Labcorp); PubMed 30050099 (cited by Labcorp Genetics (formerly Invitae), Labcorp); PubMed 28873162 (cited by Department of Pediatrics, Memorial Sloan Kettering Cancer Center).

NM_003002.4(SDHD):c.53dup (p.Leu19fs)

Gene: SDHD (succinate dehydrogenase complex subunit D; plus strand). Cytogenetic location: 11q23.1.
Variant type: Duplication.
Coding change: c.53dup on transcript NM_003002.4 (MANE Select); coding-DNA position 53, one base duplicated (C; older notation c.53dupC).
Protein change: p.Leu19fs; shifts the reading frame from leucine 19.
Molecular consequence: frameshift variant. On other transcripts: non-coding transcript variant (1), intron variant (1).
Genome position (GRCh38, 1-based): chr11:112,087,857, C duplicated. VCF-style (leftmost placement, unchanged base first): chr11-112087856-G-GC. GRCh37 (hg19) VCF-style: chr11-111958580-G-GC.
Other names: c.53dupC (NM_003002.4); c.53dup, p.Leu19fs (NM_001276503.2, NM_001276506.2); c.52+898dup (NM_001276504.2); short protein forms L19fs.
Identifiers: ClinVar variation 279889 (VCV000279889.19), dbSNP rs886041237, ClinGen allele CA10603234.